The following is an entry in ClinVar:

ClinVar aggregate classification (germline): Conflicting classifications of pathogenicity. Review status: criteria provided, conflicting classifications (1 of 4 stars). 3 submissions from 3 submitters: Likely pathogenic (1); Uncertain significance (2). Last evaluated 2025-10-01.

Conditions:
GP9-related disorders.

Allele frequency attached by ClinVar (database versions not stated): gnomAD exomes 0.00001; ExAC 0.00002; gnomAD 0.00005; TOPMed 0.00016.

Submissions (3):

GeneDx
Classification: Uncertain significance. Last evaluated: 2025-10-01. Review status: criteria provided, single submitter. Criteria: GeneDx Variant Classification Process June 2021. Collection method: clinical testing. Allele origin: germline.
Comment: Observed with a pathogenic variant in a patient with features of Bernard-Soulier syndrome in published literature, but it is not known whether the variants occurred on the same (in cis) or on different (in trans) chromosomes (PMID: 24934643); In silico analysis supports that this missense variant has a deleterious effect on protein structure/function; This variant is associated with the following publications: (PMID: 24934643, 37647632)

Labcorp Genetics (formerly Invitae), Labcorp
Classification: Uncertain significance. Last evaluated: 2025-09-23. Review status: criteria provided, single submitter. Criteria: Invitae Variant Classification Sherloc (09022015). Collection method: clinical testing. Allele origin: germline.
Comment: This sequence change replaces proline, which is neutral and non-polar, with leucine, which is neutral and non-polar, at codon 50 of the GP9 protein (p.Pro50Leu). This variant is present in population databases (rs749144595, gnomAD 0.01%). This missense change has been observed in individual(s) with clinical features of Bernard-Soulier syndrome (PMID: 24934643). ClinVar contains an entry for this variant (Variation ID: 2504691). An algorithm developed to predict the effect of missense changes on protein structure and function (PolyPhen-2) suggests that this variant is likely to be disruptive. In summary, the available evidence is currently insufficient to determine the role of this variant in disease. Therefore, it has been classified as a Variant of Uncertain Significance.

Blueprint Genetics
Classification: Likely pathogenic for GP9-related disorders. Last evaluated: 2021-06-25. Review status: criteria provided, single submitter. Criteria: ACMG Guidelines, 2015. Collection method: clinical testing. Allele origin: germline. Affected: yes. Observed: 5 variant alleles.

Literature cited by the submitters: PubMed 24934643 (cited by Labcorp Genetics (formerly Invitae), Labcorp).

NM_000174.5(GP9):c.149C>T (p.Pro50Leu)

Gene: GP9 (glycoprotein IX platelet; plus strand). Cytogenetic location: 3q21.3.
Variant type: single nucleotide variant.
Coding change: c.149C>T on transcript NM_000174.5 (MANE Select); coding-DNA position 149, C replaced by T.
Protein change: p.Pro50Leu; replaces proline 50 with leucine.
Molecular consequence: missense variant.
Genome position (GRCh38, 1-based): chr3:129,061,888, C>T. VCF-style: chr3-129061888-C-T. GRCh37 (hg19) VCF-style: chr3-128780731-C-T.
Other names: short protein forms P50L.
Identifiers: ClinVar variation 2504691 (VCV002504691.5), dbSNP rs749144595, ClinGen allele CA2602641.